The following is an entry in ClinVar:

ClinVar aggregate classification (germline): Pathogenic (1 of 4 stars; one submission).

Submission:

Labcorp Genetics (formerly Invitae), Labcorp
Classification: Pathogenic. Last evaluated: 2020-10-09. Review status: criteria provided, single submitter. Criteria: Invitae Variant Classification Sherloc (09022015). Collection method: clinical testing. Allele origin: germline.
Comment: This variant is an out-of-frame deletion of the genomic region encompassing exon(s) 16 of the PCDH15 gene. This is expected to create a premature translational stop signal and result in an absent or disrupted protein product. This variant has not been reported in the literature in individuals with PCDH15-related conditions. Loss-of-function variants in PCDH15 are known to be pathogenic (PMID: 11398101, 11487575, 14570705). For these reasons, this variant has been classified as Pathogenic.

Literature cited by the submitters: PubMed 11398101; PubMed 11487575; PubMed 14570705.

NC_000010.10:g.(?_55849724)_(55849843_?)del

Gene: PCDH15 (protocadherin related 15; minus strand). Cytogenetic location: 10q21.1.
Variant type: Deletion.
Identifiers: ClinVar variation 1074677 (VCV001074677.1).